The following is an entry in ClinVar:

NM_003072.5(SMARCA4):c.2953G>C (p.Glu985Gln)

Gene: SMARCA4 (SWI/SNF related BAF chromatin remodeling complex subunit ATPase 4; plus strand). Cytogenetic location: 19p13.2.
Variant type: single nucleotide variant.
Coding change: c.2953G>C on transcript NM_003072.5 (MANE Select); coding-DNA position 2953, G replaced by C.
Protein change: p.Glu985Gln; replaces glutamic acid 985 with glutamine.
Molecular consequence: missense variant. On other transcripts: non-coding transcript variant (1).
Genome position (GRCh38, 1-based): chr19:11,023,611, G>C. VCF-style: chr19-11023611-G-C. GRCh37 (hg19) VCF-style: chr19-11134287-G-C.
Other names: c.2953G>C, p.Glu985Gln (NM_001128844.3, NM_001128845.2, NM_001128846.2 and 6 more transcripts); short protein forms E985Q.
Identifiers: ClinVar variation 2429051 (VCV002429051.4), dbSNP rs1415464964, ClinGen allele CA404057662.

ClinVar aggregate classification (germline): Uncertain significance (1 of 4 stars; one submission).

Submission:

Greenwood Genetic Center Diagnostic Laboratories, Greenwood Genetic Center
Classification: Uncertain significance. Last evaluated: 2022-12-30. Review status: criteria provided, single submitter. Criteria: ACMG Guidelines, 2015. Collection method: clinical testing. Allele origin: germline. Affected: yes.
Comment: PM2, PP3, PP2